The following is an entry in ClinVar:

NM_000455.5(STK11):c.726G>T (p.Gly242=)

Gene: STK11 (serine/threonine kinase 11; plus strand). Cytogenetic location: 19p13.3.
Variant type: single nucleotide variant.
Coding change: c.726G>T on transcript NM_000455.5 (MANE Select); coding-DNA position 726, G replaced by T.
Protein change: p.Gly242=; no amino-acid change (glycine 242 retained).
Molecular consequence: synonymous variant.
Genome position (GRCh38, 1-based): chr19:1,220,709, G>T. VCF-style: chr19-1220709-G-T. GRCh37 (hg19) VCF-style: chr19-1220708-G-T.
Identifiers: ClinVar variation 256207 (VCV000256207.21), dbSNP rs776823114, ClinGen allele CA048583.
Genomic context (GRCh38, chr19:1,220,709, plus strand): 5'-CGAGATTGCCAACGGCCTGGACACCTTCTCCGGCTTCAAGGTGGACATCTGGTCGGCTGG[G>T]GTCACCCTGTAAGTGCCCCGCCCCCCCGGGCACTCACCACACGCACACTCCGAGGGGCCT-3'
Protein context (NP_000446.1, residues 232-252): SGFKVDIWSA[Gly242=]VTLYNITTGL

ClinVar aggregate classification (germline): Benign/Likely benign. Review status: criteria provided, multiple submitters, no conflicts (2 of 4 stars). 8 submissions from 8 submitters: Benign (1); Likely benign (7). Last evaluated 2026-02-03.

Conditions:
Melanoma, cutaneous malignant, susceptibility to, 1 (CMM1). Also called: FAMILIAL ATYPICAL MOLE-MALIGNANT MELANOMA SYNDROME; MELANOMA, MALIGNANT; DYSPLASTIC NEVUS SYNDROME, HEREDITARY; B-K MOLE SYNDROME. Identifiers: Orphanet 618, MedGen C1835047, MONDO:0007963, OMIM 155600.
Peutz-Jeghers syndrome (PJS). Also called: POLYPOSIS, HAMARTOMATOUS INTESTINAL; POLYPS-AND-SPOTS SYNDROME; Peutz-Jeghers polyposis; Periorificial lentiginosis syndrome. Identifiers: Orphanet 2869, MedGen C0031269, MeSH D010580, MONDO:0008280, OMIM 175200.
Familial pancreatic carcinoma. Identifiers: Orphanet 1333, MedGen C2931038, MONDO:0015278, OMIM 260350.
Germ cell tumor of testis (TGCT). Also called: Testicular germ cell tumor; GERM CELL TUMOR, SOMATIC. Identifiers: Orphanet 363504, MedGen C1336708, MONDO:0010108, OMIM 273300.
Hereditary cancer-predisposing syndrome. Also called: Neoplastic Syndromes, Hereditary; Hereditary neoplastic syndrome; Hereditary Cancer Syndrome; Tumor predisposition. Identifiers: Orphanet 140162, MedGen C0027672, MeSH D009386, MONDO:0015356.

gnomAD v4.1: 8 of 1,609,000 alleles (0.0005%); highest among the groups gnomAD compares: Non-Finnish European, 0.00059%; no homozygotes.

Submissions (8):

Labcorp Genetics (formerly Invitae), Labcorp
Classification: Likely benign for Peutz-Jeghers syndrome. Last evaluated: 2026-02-03. Review status: criteria provided, single submitter. Criteria: Invitae Variant Classification Sherloc (09022015). Collection method: clinical testing. Allele origin: germline.

Myriad Genetics, Inc.
Classification: Benign for Peutz-Jeghers syndrome. Last evaluated: 2025-03-27. Review status: criteria provided, single submitter. Criteria: Myriad Autosomal Dominant, Autosomal Recessive and X-Linked Classification Criteria (2023). Collection method: clinical testing. Allele origin: unknown.
Comment: This variant is considered benign. This variant is a silent/synonymous amino acid change and it is not expected to impact splicing.

Department of Pathology and Laboratory Medicine, Sinai Health System
Classification: Likely benign for Melanoma, cutaneous malignant, susceptibility to, 1; Peutz-Jeghers syndrome; Familial pancreatic carcinoma; Germ cell tumor of testis. Last evaluated: 2024-11-18. Review status: criteria provided, single submitter. Criteria: ACMG Guidelines, 2015. Collection method: clinical testing. Allele origin: germline.

All of Us Research Program, National Institutes of Health
Classification: Likely benign for Peutz-Jeghers syndrome. Last evaluated: 2023-12-13. Review status: criteria provided, single submitter. Criteria: ACMG Guidelines, 2015. Collection method: clinical testing. Allele origin: germline. Inheritance: Autosomal dominant inheritance. Observed: 1 variant allele, 1 heterozygote.
Comment: This study involves interpretation of variants in research participants for the purpose of population health screening. Participant phenotype was not available at the time of variant classification. Additional details can be found in publication PMID: 35346344, PMCID: PMC8962531

Color Diagnostics, LLC DBA Color Health
Classification: Likely benign for Hereditary cancer-predisposing syndrome. Last evaluated: 2017-03-06. Review status: criteria provided, single submitter. Criteria: ACMG Guidelines, 2015. Collection method: clinical testing. Allele origin: germline.

GeneDx
Classification: Likely benign. Last evaluated: 2015-11-24. Review status: criteria provided, single submitter. Criteria: GeneDx Variant Classification (06012015). Collection method: clinical testing. Allele origin: germline. Affected: yes.
Comment: This variant is considered likely benign or benign based on one or more of the following criteria: it is a conservative change, it occurs at a poorly conserved position in the protein, it is predicted to be benign by multiple in silico algorithms, and/or has population frequency not consistent with disease.

Ambry Genetics
Classification: Likely benign for Hereditary cancer-predisposing syndrome. Last evaluated: 2015-07-21. Review status: criteria provided, single submitter. Criteria: Ambry Variant Classification Scheme 2023. Collection method: clinical testing. Allele origin: germline.

PreventionGenetics, part of Exact Sciences
Classification: Likely benign. Review status: criteria provided, single submitter. Criteria: ACMG Guidelines, 2015. Collection method: clinical testing. Allele origin: germline.